The following is an entry in ClinVar:

ClinVar aggregate classification (germline): Uncertain significance. Review status: criteria provided, multiple submitters, no conflicts (2 of 4 stars). 2 submissions from 2 submitters: Uncertain significance (2). Last evaluated 2023-03-26.

Conditions:
Congenital myasthenic syndrome 8. Also called: MYASTHENIC SYNDROME, CONGENITAL, DUE TO AGRIN DEFICIENCY; Myasthenic syndrome, congenital, 8, with pre- and postsynaptic defects. Identifiers: Orphanet 590, MedGen C3808739, MONDO:0014052, OMIM 615120.

Allele frequency attached by ClinVar (database versions not stated): gnomAD exomes 0.00006 and 0.00028; ExAC 0.00009; gnomAD 0.00011; TOPMed 0.00011.

Submissions (2):

GeneDx
Classification: Uncertain significance. Last evaluated: 2023-03-26. Review status: criteria provided, single submitter. Criteria: GeneDx Variant Classification Process June 2021. Collection method: clinical testing. Allele origin: germline. Affected: yes.
Comment: In silico analysis supports that this missense variant does not alter protein structure/function; Has not been previously published as pathogenic or benign to our knowledge

Labcorp Genetics (formerly Invitae), Labcorp
Classification: Uncertain significance for Congenital myasthenic syndrome 8. Last evaluated: 2022-02-05. Review status: criteria provided, single submitter. Criteria: Invitae Variant Classification Sherloc (09022015). Collection method: clinical testing. Allele origin: germline.
Comment: This sequence change replaces threonine, which is neutral and polar, with methionine, which is neutral and non-polar, at codon 50 of the AGRN protein (p.Thr50Met). The frequency data for this variant in the population databases is considered unreliable, as metrics indicate poor data quality at this position in the gnomAD database. This variant has not been reported in the literature in individuals affected with AGRN-related conditions. ClinVar contains an entry for this variant (Variation ID: 972219). Algorithms developed to predict the effect of missense changes on protein structure and function are either unavailable or do not agree on the potential impact of this missense change (SIFT: "Deleterious"; PolyPhen-2: "Not Available"; Align-GVGD: "Class C0"). In summary, the available evidence is currently insufficient to determine the role of this variant in disease. Therefore, it has been classified as a Variant of Uncertain Significance.

NM_198576.4(AGRN):c.149C>T (p.Thr50Met)

Gene: AGRN (agrin; plus strand). Cytogenetic location: 1p36.33.
Variant type: single nucleotide variant.
Coding change: c.149C>T on transcript NM_198576.4 (MANE Select); coding-DNA position 149, C replaced by T.
Protein change: p.Thr50Met; replaces threonine 50 with methionine.
Molecular consequence: missense variant.
Genome position (GRCh38, 1-based): chr1:1,020,321, C>T. VCF-style: chr1-1020321-C-T. GRCh37 (hg19) VCF-style: chr1-955701-C-T.
Other names: c.149C>T, p.Thr50Met (NM_001305275.2); short protein forms T50M.
Identifiers: ClinVar variation 972219 (VCV000972219.6), dbSNP rs767809484, ClinGen allele CA507765.